The following is an entry in ClinVar:

NM_000101.4(CYBA):c.58+4_58+7del

Gene: CYBA (cytochrome b-245 alpha chain; minus strand). Cytogenetic location: 16q24.2.
Variant type: Microsatellite.
Coding change: c.58+4_58+7del on transcript NM_000101.4 (MANE Select); bases 4 to 7 of the intron after coding-DNA position 58, 4 bases deleted (AGTG; older notation c.58+4_58+7delAGTG).
Molecular consequence: splice donor variant.
Genome position (GRCh38, 1-based): chr16:88,650,949-88,650,952, CACT deleted on the plus strand (AGTG on the coding strand, the reverse complement: CYBA is on the minus strand); deleting any 4 consecutive bases within chr16:88,650,949-88,650,958 gives the same sequence; the c. name uses the placement nearest the transcript's 3' end. VCF-style (leftmost placement, unchanged base first): chr16-88650948-GCACT-G. GRCh37 (hg19) VCF-style: chr16-88717356-GCACT-G.
Other names: c.58+4_58+7delAGTG (NM_000101.3, NM_000101.4).
Identifiers: ClinVar variation 643066 (VCV000643066.10), dbSNP rs771926427, ClinGen allele CA8228523.

ClinVar aggregate classification (germline): Pathogenic/Likely pathogenic. Review status: criteria provided, multiple submitters, no conflicts (2 of 4 stars). 4 submissions from 4 submitters: Pathogenic (3); Likely pathogenic (1). Last evaluated 2025-02-04.

Conditions:
Chronic granulomatous disease. Identifiers: Orphanet 379, MedGen C0018203, MONDO:0018305.
Granulomatous disease, chronic, autosomal recessive, cytochrome b-negative. Also called: Chronic granulomatous disease, autosomal, due to deficiency of CYBA; CGD DUE TO DEFICIENCY OF THE ALPHA SUBUNIT OF CYTOCHROME b; CGD, AUTOSOMAL RECESSIVE CYTOCHROME b-NEGATIVE; CYBA DEFICIENCY; GRANULOMATOUS DISEASE, CHRONIC, AUTOSOMAL RECESSIVE, 4. Identifiers: Orphanet 379, MedGen C1856255, MONDO:0009308, OMIM 233690.

Submissions (4):

Natera, Inc.
Classification: Likely pathogenic for Chronic granulomatous disease. Last evaluated: 2025-02-04. Review status: criteria provided, single submitter. Criteria: Natera Variant Classification Schema (03/2026). Collection method: clinical testing. Allele origin: germline.
Comment: The c.58+4_58+7delAGTG variant in CYBA is a frameshift variant predicted to shift the reading frame and introduce a stop codon. This variant is rare in the general population with a frequency below the threshold expected for the associated phenotype(s). This variant has been observed in one or more individuals affected with the associated recessive disease, as either homozygous or compound heterozygous with a second variant (PMID: 16157492, 23910690, 10914676). Additionally, this variant has been observed to segregate in affected family members (PMID: 38905634). Functional studies show that this variant may disrupt protein function (PMID: 16157492). Computational prediction algorithms indicate this variant is likely to affect gene or protein function. Given the available evidence, this variant is classified as Likely Pathogenic.

Fulgent Genetics
Classification: Pathogenic for Granulomatous disease, chronic, autosomal recessive, cytochrome b-negative. Last evaluated: 2024-03-23. Review status: criteria provided, single submitter. Criteria: ACMG Guidelines, 2015. Collection method: clinical testing. Allele origin: germline.

Labcorp Genetics (formerly Invitae), Labcorp
Classification: Pathogenic for Granulomatous disease, chronic, autosomal recessive, cytochrome b-negative. Last evaluated: 2024-03-21. Review status: criteria provided, single submitter. Criteria: Invitae Variant Classification Sherloc (09022015). Collection method: clinical testing. Allele origin: germline.
Comment: This sequence change falls in intron 1 of the CYBA gene. It does not directly change the encoded amino acid sequence of the CYBA protein. It affects a nucleotide within the consensus splice site. This variant is present in population databases (rs771926427, gnomAD 0.001%). This variant has been observed in individuals with chronic granulomatous disease (PMID: 10914676, 16157492, 33629196). ClinVar contains an entry for this variant (Variation ID: 643066). Variants that disrupt the consensus splice site are a relatively common cause of aberrant splicing (PMID: 17576681, 9536098). Studies have shown that this variant alters mRNA splicing and is expected to lead to the loss of protein expression (PMID: 16157492). For these reasons, this variant has been classified as Pathogenic.

Women's Health and Genetics/Laboratory Corporation of America, LabCorp
Classification: Pathogenic for Chronic granulomatous disease. Last evaluated: 2024-03-21. Review status: criteria provided, single submitter. Criteria: LabCorp Variant Classification Summary - May 2015. Collection method: clinical testing. Allele origin: germline.
Comment: Variant summary: CYBA c.58+4_58+7delAGTG alters a conserved nucleotide located close to a canonical splice site and therefore could affect mRNA splicing, leading to a significantly altered protein sequence. Several computational tools predict a significant impact on normal splicing: Four predict the variant abolishes a canonical 5' splicing donor site. At least one publication reports experimental evidence that this variant indeed affects mRNA splicing, resulting in the inclusion of intronic material (e.g. de Boer_2005). The variant allele was found at a frequency of 4.9e-06 in 205382 control chromosomes (gnomAD). c.58+4_58+7delAGTG has been reported in the literature as a biallelic genotype in individuals affected with Chronic Granulomatous Disease (e.g. Ishibashi_2000, de Boer_2005, Akar_2021). These data indicate that the variant is likely to be associated with disease. The following publications have been ascertained in the context of this evaluation (PMID: 33629196, 10914676, 16157492). ClinVar contains an entry for this variant (Variation ID: 643066). Based on the evidence outlined above, the variant was classified as pathogenic.

Literature cited by the submitters: PubMed 16157492 (cited by 3 submitters); PubMed 23910690 (cited by Natera, Inc.); PubMed 10914676 (cited by 3 submitters); PubMed 38905634 (cited by Natera, Inc.); PubMed 33629196 (cited by Labcorp Genetics (formerly Invitae), Labcorp and Women's Health and Genetics/Laboratory Corporation of America, LabCorp); PubMed 17576681 (cited by Labcorp Genetics (formerly Invitae), Labcorp); PubMed 9536098 (cited by Labcorp Genetics (formerly Invitae), Labcorp).